The following is an entry in ClinVar:

NM_016169.4(SUFU):c.871_889dup (p.Pro297fs)

Gene: SUFU (SUFU negative regulator of hedgehog signaling; plus strand). Cytogenetic location: 10q24.32.
Variant type: Duplication.
Coding change: c.871_889dup on transcript NM_016169.4 (MANE Select); coding-DNA positions 871 to 889, 19 bases duplicated (ATCTGCATCGGCACACAGC).
Protein change: p.Pro297fs; shifts the reading frame from proline 297.
Molecular consequence: frameshift variant.
Genome position (GRCh38, 1-based): chr10:102,597,254-102,597,272, ATCTGCATCGGCACACAGC duplicated; duplicating any 19 consecutive bases within chr10:102,597,251-102,597,272 gives the same sequence; the c. name uses the placement nearest the transcript's 3' end. VCF-style (leftmost placement, unchanged base first): chr10-102597250-G-GAGCATCTGCATCGGCACAC. GRCh37 (hg19) VCF-style: chr10-104357007-G-GAGCATCTGCATCGGCACAC.
Other names: c.871_889dup, p.Pro297fs (NM_001178133.2); short protein forms P297fs.
Identifiers: ClinVar variation 4784347 (VCV004784347.1).
Genomic context (GRCh38, chr10:102,597,250, plus strand): 5'-CAGTGCCAAGTGTGCCTGGGATGACCTGAGCCGGCCCCCCGAGGATGACGAGGACAGCCG[G>GAGCATCTGCATCGGCACAC]AGCATCTGCATCGGCACACAGCCCCGGCGACTCTCTGGCAAAGGTGGGAGCCATCACTCA-3'

ClinVar aggregate classification (germline): Pathogenic (1 of 4 stars; one submission).

Conditions:
Gorlin syndrome. Also called: Nevoid Basal Cell Carcinoma Syndrome; Basal cell nevus syndrome. Identifiers: Orphanet 377, MedGen C0004779, MONDO:0007187.
Medulloblastoma (MDB). Also called: MEDULLOBLASTOMA PREDISPOSITION SYNDROME; Medulloblastoma, somatic. Identifiers: Orphanet 616, MedGen C0025149, MeSH D008527, MONDO:0007959, OMIM 155255, HP:0002885.

Submission:

Labcorp Genetics (formerly Invitae), Labcorp
Classification: Pathogenic for Gorlin syndrome; Medulloblastoma. Last evaluated: 2025-03-05. Review status: criteria provided, single submitter. Criteria: Invitae Variant Classification Sherloc (09022015). Collection method: clinical testing. Allele origin: germline.
Comment: This sequence change creates a premature translational stop signal (p.Pro297Hisfs*60) in the SUFU gene. It is expected to result in an absent or disrupted protein product. Loss-of-function variants in SUFU are known to be pathogenic (PMID: 22508808, 25403219, 33024317). This variant is not present in population databases (gnomAD no frequency). This variant has not been reported in the literature in individuals affected with SUFU-related conditions. For these reasons, this variant has been classified as Pathogenic.

Literature cited by the submitters: PubMed 22508808; PubMed 25403219; PubMed 33024317.